The following is an entry in ClinVar:

NM_001161352.2(KCNMA1):c.3286G>A (p.Asp1096Asn)

Genes: KCNMA1-AS1 (KCNMA1 antisense RNA 1; plus strand), KCNMA1 (potassium calcium-activated channel subfamily M alpha 1; minus strand). Cytogenetic location: 10q22.3.
Variant type: single nucleotide variant.
Coding change: c.3286G>A on transcript NM_001161352.2 (MANE Select); coding-DNA position 3286, G replaced by A.
Protein change: p.Asp1096Asn; replaces aspartic acid 1096 with asparagine.
Molecular consequence: missense variant.
Genome position (GRCh38, 1-based): chr10:76,891,581, C>T on the plus strand (G>A on the coding strand, the complement: KCNMA1 is on the minus strand). VCF-style: chr10-76891581-C-T. GRCh37 (hg19) VCF-style: chr10-78651339-C-T.
Other names: c.3124G>A, p.Asp1042Asn (NM_001014797.3); c.3235G>A, p.Asp1079Asn (NM_001161353.2); c.2962G>A, p.Asp988Asn (NM_001271518.2); c.3202G>A, p.Asp1068Asn (NM_001271519.2); c.3121G>A, p.Asp1041Asn (NM_001322829.2, NM_001322836.2); c.3214G>A, p.Asp1072Asn (NM_001322830.2); c.3112G>A, p.Asp1038Asn (NM_001322832.2, NM_001410940.1, NM_002247.4); c.3205G>A, p.Asp1069Asn (NM_001322835.2, NM_001322837.2); and 1 more; short protein forms D1038N, D1042N, D1041N, D1068N, D1069N, D887N, D1072N, D1079N.
Identifiers: ClinVar variation 2988335 (VCV002988335.3), dbSNP rs2040086743, ClinGen allele CA377403400.

ClinVar aggregate classification (germline): Uncertain significance (1 of 4 stars; one submission).

Conditions:
Generalized epilepsy-paroxysmal dyskinesia syndrome (PNKD3). Also called: Generalized epilepsy and paroxysmal dyskinesia; Paroxysmal nonkinesigenic dyskinesia, 3, with or without generalized epilepsy. Identifiers: Orphanet 79137, MedGen C5574945, MONDO:0012276, OMIM 609446.

Submission:

Labcorp Genetics (formerly Invitae), Labcorp
Classification: Uncertain significance for Generalized epilepsy-paroxysmal dyskinesia syndrome. Last evaluated: 2023-05-11. Review status: criteria provided, single submitter. Criteria: Invitae Variant Classification Sherloc (09022015). Collection method: clinical testing. Allele origin: germline.
Comment: In summary, the available evidence is currently insufficient to determine the role of this variant in disease. Therefore, it has been classified as a Variant of Uncertain Significance. An algorithm developed to predict the effect of missense changes on protein structure and function (PolyPhen-2) suggests that this variant is likely to be disruptive. This variant has not been reported in the literature in individuals affected with KCNMA1-related conditions. This variant is not present in population databases (gnomAD no frequency). This sequence change replaces aspartic acid, which is acidic and polar, with asparagine, which is neutral and polar, at codon 1038 of the KCNMA1 protein (p.Asp1038Asn).